The following is an entry in ClinVar:

NM_014797.3(ZBTB24):c.1280C>A (p.Thr427Lys)

Gene: ZBTB24 (zinc finger and BTB domain containing 24; minus strand). Cytogenetic location: 6q21.
Variant type: single nucleotide variant.
Coding change: c.1280C>A on transcript NM_014797.3 (MANE Select); coding-DNA position 1280, C replaced by A.
Protein change: p.Thr427Lys; replaces threonine 427 with lysine.
Molecular consequence: missense variant.
Genome position (GRCh38, 1-based): chr6:109,475,407, G>T on the plus strand (C>A on the coding strand, the complement: ZBTB24 is on the minus strand). VCF-style: chr6-109475407-G-T. GRCh37 (hg19) VCF-style: chr6-109796610-G-T.
Other names: short protein forms T427K.
Identifiers: ClinVar variation 857324 (VCV000857324.8), dbSNP rs1776258723, ClinGen allele CA365202306.

ClinVar aggregate classification (germline): Uncertain significance. Review status: criteria provided, multiple submitters, no conflicts (2 of 4 stars). 2 submissions from 2 submitters: Uncertain significance (2). Last evaluated 2025-01-06.

Conditions:
Immunodeficiency-centromeric instability-facial anomalies syndrome 2 (ICF2). Identifiers: Orphanet 2268, MedGen C3279748, MONDO:0013553, OMIM 614069.

Allele frequency attached by ClinVar (database versions not stated): gnomAD exomes below 0.00001; gnomAD 0.00001.
gnomAD v4.1: 2 of 1,614,038 alleles (0.00012%); highest among the groups gnomAD compares: Admixed American, 0.0033%; no homozygotes.

Submissions (2):

Labcorp Genetics (formerly Invitae), Labcorp
Classification: Uncertain significance for Immunodeficiency-centromeric instability-facial anomalies syndrome 2. Last evaluated: 2025-01-06. Review status: criteria provided, single submitter. Criteria: Invitae Variant Classification Sherloc (09022015). Collection method: clinical testing. Allele origin: germline.
Comment: This sequence change replaces threonine, which is neutral and polar, with lysine, which is basic and polar, at codon 427 of the ZBTB24 protein (p.Thr427Lys). This variant is not present in population databases (gnomAD no frequency). This variant has not been reported in the literature in individuals affected with ZBTB24-related conditions. ClinVar contains an entry for this variant (Variation ID: 857324). An algorithm developed to predict the effect of missense changes on protein structure and function (PolyPhen-2) suggests that this variant is likely to be disruptive. In summary, the available evidence is currently insufficient to determine the role of this variant in disease. Therefore, it has been classified as a Variant of Uncertain Significance.

Baylor Genetics
Classification: Uncertain significance for Immunodeficiency-centromeric instability-facial anomalies syndrome 2. Last evaluated: 2019-02-08. Review status: criteria provided, single submitter. Criteria: ACMG Guidelines, 2015. Collection method: clinical testing. Allele origin: paternal. Affected: yes.
Comment: This variant was determined to be of uncertain significance according to ACMG Guidelines, 2015 [PMID:25741868].